The following is an entry in ClinVar:

NM_001267550.2(TTN):c.21296G>A (p.Cys7099Tyr)

Genes: TTN (titin; minus strand), LOC126806428 (BRD4-independent group 4 enhancer GRCh37_chr2:179588362-179589561; plus strand). Cytogenetic location: 2q31.2.
Variant type: single nucleotide variant.
Coding change: c.21296G>A on transcript NM_001267550.2 (MANE Select); coding-DNA position 21296, G replaced by A.
Protein change: p.Cys7099Tyr; replaces cysteine 7099 with tyrosine.
Molecular consequence: missense variant. On other transcripts: intron variant (3).
Genome position (GRCh38, 1-based): chr2:178,723,963, C>T on the plus strand (G>A on the coding strand, the complement: TTN is on the minus strand). VCF-style: chr2-178723963-C-T. GRCh37 (hg19) VCF-style: chr2-179588690-C-T.
Other names: c.20345G>A, p.Cys6782Tyr (NM_001256850.1); c.17564G>A, p.Cys5855Tyr (NM_133378.4); c.13282+14119G>A (NM_003319.4); c.13858+14119G>A (NM_133437.4); c.13657+14119G>A (NM_133432.3); short protein forms C5855Y, C6782Y, C7099Y.
Identifiers: ClinVar variation 1698295 (VCV001698295.2), dbSNP rs2078895939, ClinGen allele CA349535924.

ClinVar aggregate classification (germline): Uncertain significance (1 of 4 stars; one submission).

Allele frequency attached by ClinVar (database versions not stated): gnomAD exomes below 0.00001.
gnomAD v4.1: 5 of 1,613,560 alleles (0.00031%); highest among the groups gnomAD compares: East Asian, 0.0022%; no homozygotes.

Submission:

GeneDx
Classification: Uncertain significance. Last evaluated: 2022-01-18. Review status: criteria provided, single submitter. Criteria: GeneDx Variant Classification Process June 2021. Collection method: clinical testing. Allele origin: germline. Affected: yes.
Comment: Not observed at significant frequency in large population cohorts (gnomAD); Missense variant in a gene in which most reported pathogenic variants are truncating/loss-of-function; Has not been previously published as pathogenic or benign to our knowledge; This variant is associated with the following publications: (PMID: 23975875)